The following is an entry in ClinVar:

NM_000497.4(CYP11B1):c.*468C>T

Gene: CYP11B1 (cytochrome P450 family 11 subfamily B member 1; minus strand). Cytogenetic location: 8q24.3.
Variant type: single nucleotide variant.
Coding change: c.*468C>T on transcript NM_000497.4 (MANE Select); 468 bases downstream of the stop codon, C replaced by T.
Molecular consequence: 3 prime UTR variant.
Genome position (GRCh38, 1-based): chr8:142,873,905, G>A on the plus strand (C>T on the coding strand, the complement: CYP11B1 is on the minus strand). VCF-style: chr8-142873905-G-A. GRCh37 (hg19) VCF-style: chr8-143955321-G-A.
Other names: c.*468C>T (NM_001026213.1).
Identifiers: ClinVar variation 362138 (VCV000362138.5), dbSNP rs114832894, ClinGen allele CA10630443.

ClinVar aggregate classification (germline): Benign/Likely benign. Review status: criteria provided, single submitter (1 of 4 stars). 2 submissions from 1 submitter: Benign (1); Likely benign (1). Last evaluated 2018-01-13.

Conditions:
Glucocorticoid-remediable aldosteronism. Also called: Hyperaldosteronism, familial, type I; ACTH-DEPENDENT HYPERALDOSTERONISM SYNDROME; ALDOSTERONISM, SENSITIVE TO DEXAMETHASONE; FH I; GLUCOCORTICOID-SUPPRESSIBLE HYPERALDOSTERONISM. Identifiers: Orphanet 403, MedGen C3838731, MONDO:0007080, OMIM 103900.
Deficiency of steroid 11-beta-monooxygenase (CYP11B1). Also called: ADRENAL HYPERPLASIA, CONGENITAL, DUE TO STEROID 11-BETA-HYDROXYLASE DEFICIENCY; 11-BETA-HYDROXYLASE DEFICIENCY; ADRENAL HYPERPLASIA IV; P450C11B1 DEFICIENCY; STEROID 11-BETA-HYDROXYLASE DEFICIENCY; Congenital adrenal hyperplasia due to 11-beta-hydroxylase deficiency. Identifiers: Orphanet 90795, MedGen C0268292, MONDO:0008729, OMIM 202010. Disease mechanism: loss of function.

Allele frequency attached by ClinVar (database versions not stated): gnomAD exomes 0.00124; 1000 Genomes Project 0.00659; gnomAD 0.00719 and 0.00774; TOPMed 0.00782; 1000 Genomes Project 30x 0.00812.
gnomAD v4.1: 1,198 of 247,086 alleles (0.48%); highest among the groups gnomAD compares: African/African-American, 2.5%; 15 homozygotes.

Submissions (2):

Illumina Laboratory Services, Illumina
Classification: Likely benign for Deficiency of steroid 11-beta-monooxygenase. Last evaluated: 2018-01-13. Review status: criteria provided, single submitter. Criteria: ICSL Variant Classification Criteria 13 December 2019. Collection method: clinical testing. Allele origin: germline.
Comment: This variant was observed in the ICSL laboratory as part of a predisposition screen in an ostensibly healthy population. It had not been previously curated by ICSL or reported in the Human Gene Mutation Database (HGMD: prior to June 1st, 2018), and was therefore a candidate for classification through an automated scoring system. Utilizing variant allele frequency, disease prevalence and penetrance estimates, and inheritance mode, an automated score was calculated to assess if this variant is too frequent to cause the disease. Based on the score and internal cut-off values, a variant classified as likely benign is not then subjected to further curation. The score for this variant resulted in a classification of likely benign for this disease.

Illumina Laboratory Services, Illumina
Classification: Benign for Glucocorticoid-remediable aldosteronism. Last evaluated: 2018-01-13. Review status: criteria provided, single submitter. Criteria: ICSL Variant Classification Criteria 13 December 2019. Collection method: clinical testing. Allele origin: germline.
Comment: This variant was observed in the ICSL laboratory as part of a predisposition screen in an ostensibly healthy population. It had not been previously curated by ICSL or reported in the Human Gene Mutation Database (HGMD: prior to June 1st, 2018), and was therefore a candidate for classification through an automated scoring system. Utilizing variant allele frequency, disease prevalence and penetrance estimates, and inheritance mode, an automated score was calculated to assess if this variant is too frequent to cause the disease. Based on the score and internal cut-off values, a variant classified as benign is not then subjected to further curation. The score for this variant resulted in a classification of benign for this disease.